The following is an entry in ClinVar:

ClinVar aggregate classification (germline): Uncertain significance. Review status: criteria provided, multiple submitters, no conflicts (2 of 4 stars). 2 submissions from 2 submitters: Uncertain significance (2). Last evaluated 2025-03-28.

Conditions:
Inborn genetic diseases. Identifiers: MedGen C0950123, MeSH D030342.
Autosomal dominant nocturnal frontal lobe epilepsy 5. Also called: CILIARY DYSKINESIA, PRIMARY, 28, WITHOUT SITUS INVERSUS; CILIARY DYSKINESIA, PRIMARY, 28, WITH SITUS INVERSUS; Epilepsy, nocturnal frontal lobe, 5; KCNT1-Related Epilepsy. Identifiers: Orphanet 98784, MedGen C3554306, MONDO:0014002, OMIM 615005.
Developmental and epileptic encephalopathy, 14 (DEE14). Also called: Early infantile epileptic encephalopathy 14. Identifiers: Orphanet 293181, MedGen C3554195, MONDO:0013989, OMIM 614959.

Submissions (2):

Ambry Genetics
Classification: Uncertain significance for Inborn genetic diseases. Last evaluated: 2025-03-28. Review status: criteria provided, single submitter. Criteria: Ambry Variant Classification Scheme 2023. Collection method: clinical testing. Allele origin: germline.

Labcorp Genetics (formerly Invitae), Labcorp
Classification: Uncertain significance for Autosomal dominant nocturnal frontal lobe epilepsy 5; Developmental and epileptic encephalopathy, 14. Last evaluated: 2023-08-17. Review status: criteria provided, single submitter. Criteria: Invitae Variant Classification Sherloc (09022015). Collection method: clinical testing. Allele origin: germline.
Comment: This sequence change replaces isoleucine, which is neutral and non-polar, with threonine, which is neutral and polar, at codon 874 of the KCNT1 protein (p.Ile874Thr). In summary, the available evidence is currently insufficient to determine the role of this variant in disease. Therefore, it has been classified as a Variant of Uncertain Significance. Advanced modeling of protein sequence and biophysical properties (such as structural, functional, and spatial information, amino acid conservation, physicochemical variation, residue mobility, and thermodynamic stability) performed at Invitae indicates that this missense variant is not expected to disrupt KCNT1 protein function. ClinVar contains an entry for this variant (Variation ID: 2191157). This variant has not been reported in the literature in individuals affected with KCNT1-related conditions. This variant is not present in population databases (gnomAD no frequency).

NM_020822.3(KCNT1):c.2621T>C (p.Ile874Thr)

Gene: KCNT1 (potassium sodium-activated channel subfamily T member 1; plus strand). Cytogenetic location: 9q34.3.
Variant type: single nucleotide variant.
Coding change: c.2621T>C on transcript NM_020822.3 (MANE Select); coding-DNA position 2621, T replaced by C.
Protein change: p.Ile874Thr; replaces isoleucine 874 with threonine.
Molecular consequence: missense variant.
Genome position (GRCh38, 1-based): chr9:135,778,714, T>C. VCF-style: chr9-135778714-T-C. GRCh37 (hg19) VCF-style: chr9-138670560-T-C.
Other names: c.2486T>C, p.Ile829Thr (NM_001272003.2); c.2621T>C (NM_020822.2); short protein forms I874T, I829T.
Identifiers: ClinVar variation 2191157 (VCV002191157.5), dbSNP rs2491037304, ClinGen allele CA375514252.